The following is an entry in ClinVar:

ClinVar aggregate classification (germline): Uncertain significance (1 of 4 stars; one submission).

Conditions:
Hereditary cancer-predisposing syndrome. Also called: Hereditary Cancer Syndrome; Hereditary neoplastic syndrome; Neoplastic Syndromes, Hereditary; Tumor predisposition. Identifiers: Orphanet 140162, MedGen C0027672, MeSH D009386, MONDO:0015356.

Submission:

Ambry Genetics
Classification: Uncertain significance for Hereditary cancer-predisposing syndrome. Last evaluated: 2022-04-21. Review status: criteria provided, single submitter. Criteria: Ambry Variant Classification Scheme 2023. Collection method: clinical testing. Allele origin: germline.
Comment: The p.L1527P variant (also known as c.4580T>C), located in coding exon 29 of the ATM gene, results from a T to C substitution at nucleotide position 4580. The leucine at codon 1527 is replaced by proline, an amino acid with similar properties. This amino acid position is well conserved in available vertebrate species. In addition, the in silico prediction for this alteration is inconclusive. Since supporting evidence is limited at this time, the clinical significance of this alteration remains unclear.

NM_000051.4(ATM):c.4580T>C (p.Leu1527Pro)

Gene: ATM (ATM serine/threonine kinase; plus strand). Cytogenetic location: 11q22.3.
Variant type: single nucleotide variant.
Coding change: c.4580T>C on transcript NM_000051.4 (MANE Select); coding-DNA position 4580, T replaced by C.
Protein change: p.Leu1527Pro; replaces leucine 1527 with proline.
Molecular consequence: missense variant.
Genome position (GRCh38, 1-based): chr11:108,292,762, T>C. VCF-style: chr11-108292762-T-C. GRCh37 (hg19) VCF-style: chr11-108163489-T-C.
Other names: c.4580T>C, p.Leu1527Pro (NM_001351834.2); short protein forms L1527P.
Identifiers: ClinVar variation 1741645 (VCV001741645.2), dbSNP rs2135801932, ClinGen allele CA382533936.